The following is an entry in ClinVar:

NM_170754.4(TNS2):c.2284G>A (p.Glu762Lys)

Gene: TNS2 (tensin 2; plus strand). Cytogenetic location: 12q13.13.
Variant type: single nucleotide variant.
Coding change: c.2284G>A on transcript NM_170754.4 (MANE Select); coding-DNA position 2284, G replaced by A.
Protein change: p.Glu762Lys; replaces glutamic acid 762 with lysine.
Molecular consequence: missense variant.
Genome position (GRCh38, 1-based): chr12:53,059,925, G>A. VCF-style: chr12-53059925-G-A. GRCh37 (hg19) VCF-style: chr12-53453709-G-A.
Other names: c.2284G>A, p.Glu762Lys (NM_001416202.1); c.2242G>A, p.Glu748Lys (NM_001416203.1); c.2311G>A, p.Glu771Lys (NM_001416204.1); c.2215G>A, p.Glu739Lys (NM_015319.3); c.1912G>A, p.Glu638Lys (NM_198316.2); short protein forms E638K, E739K, E762K, E748K, E771K.
Identifiers: ClinVar variation 2892957 (VCV002892957.3), dbSNP rs1177430519, ClinGen allele CA385013101.

ClinVar aggregate classification (germline): Uncertain significance (1 of 4 stars; one submission).

Allele frequency attached by ClinVar (database versions not stated): gnomAD exomes 0.00001; gnomAD 0.00002; TOPMed 0.00002.
gnomAD v4.1: 21 of 1,611,078 alleles (0.0013%); highest among the groups gnomAD compares: Non-Finnish European, 0.0015%; no homozygotes.

Submission:

Labcorp Genetics (formerly Invitae), Labcorp
Classification: Uncertain significance. Last evaluated: 2024-01-15. Review status: criteria provided, single submitter. Criteria: Invitae Variant Classification Sherloc (09022015). Collection method: clinical testing. Allele origin: germline.
Comment: This sequence change replaces glutamic acid, which is acidic and polar, with lysine, which is basic and polar, at codon 772 of the TNS2 protein (p.Glu772Lys). This variant is present in population databases (no rsID available, gnomAD 0.0009%). This variant has not been reported in the literature in individuals affected with TNS2-related conditions. An algorithm developed to predict the effect of missense changes on protein structure and function (PolyPhen-2) suggests that this variant is likely to be disruptive. In summary, the available evidence is currently insufficient to determine the role of this variant in disease. Therefore, it has been classified as a Variant of Uncertain Significance.